The following is an entry in ClinVar:

ClinVar aggregate classification (germline): Uncertain significance (1 of 4 stars; one submission).

Conditions:
Hereditary hemorrhagic telangiectasia (HHT). Also called: ORW DISEASE; Osler Weber Rendu syndrome; OSLER-RENDU-WEBER DISEASE; Osler hemorrhagic telangiectasia syndrome. Identifiers: Orphanet 774, MedGen C0039445, MONDO:0019180. Disease mechanism: loss of function.

Submission:

Labcorp Genetics (formerly Invitae), Labcorp
Classification: Uncertain significance for Hereditary hemorrhagic telangiectasia. Last evaluated: 2023-06-27. Review status: criteria provided, single submitter. Criteria: Invitae Variant Classification Sherloc (09022015). Collection method: clinical testing. Allele origin: germline.
Comment: In summary, the available evidence is currently insufficient to determine the role of this variant in disease. Therefore, it has been classified as a Variant of Uncertain Significance. This sequence change falls in intron 1 of the ENG gene. It does not directly change the encoded amino acid sequence of the ENG protein. It affects a nucleotide within the consensus splice site. This variant is not present in population databases (gnomAD no frequency). This variant has not been reported in the literature in individuals affected with ENG-related conditions. Variants that disrupt the consensus splice site are a relatively common cause of aberrant splicing (PMID: 17576681, 9536098). Algorithms developed to predict the effect of sequence changes on RNA splicing suggest that this variant may disrupt the consensus splice site.

Literature cited by the submitters: PubMed 17576681; PubMed 9536098.

NM_001114753.3(ENG):c.67+5G>T

Gene: ENG (endoglin; minus strand). Cytogenetic location: 9q34.11.
Variant type: single nucleotide variant.
Coding change: c.67+5G>T on transcript NM_001114753.3 (MANE Select); 5 bases into the intron after coding-DNA position 67, G replaced by T.
Molecular consequence: intron variant.
Genome position (GRCh38, 1-based): chr9:127,854,284, C>A on the plus strand (G>T on the coding strand, the complement: ENG is on the minus strand). VCF-style: chr9-127854284-C-A. GRCh37 (hg19) VCF-style: chr9-130616563-C-A.
Other names: c.67+5G>T (NM_000118.4, NM_001406715.1).
Identifiers: ClinVar variation 2729983 (VCV002729983.3), dbSNP rs763111216, ClinGen allele CA2691810577.